The following is an entry in ClinVar:

ClinVar aggregate classification (germline): Uncertain significance (1 of 4 stars; one submission).

Conditions:
Ehlers-Danlos syndrome, type 4 (EDSVASC). Also called: Ehlers-Danlos syndrome vascular type; Ehlers Danlos syndrome, ecchymotic type; Ehlers Danlos syndrome, arterial type; Ehlers Danlos syndrome, Sack-Barabas type; Ehlers-Danlos Syndrome Type IV. Identifiers: Orphanet 286, MedGen C0268338, MONDO:0017314, OMIM 130050.

Submission:

Labcorp Genetics (formerly Invitae), Labcorp
Classification: Uncertain significance for Ehlers-Danlos syndrome, type 4. Last evaluated: 2024-03-12. Review status: criteria provided, single submitter. Criteria: Invitae Variant Classification Sherloc (09022015). Collection method: clinical testing. Allele origin: germline.
Comment: This sequence change replaces arginine, which is basic and polar, with serine, which is neutral and polar, at codon 1438 of the COL3A1 protein (p.Arg1438Ser). This variant is not present in population databases (gnomAD no frequency). This variant has not been reported in the literature in individuals affected with COL3A1-related conditions. Advanced modeling of protein sequence and biophysical properties (such as structural, functional, and spatial information, amino acid conservation, physicochemical variation, residue mobility, and thermodynamic stability) performed at Invitae indicates that this missense variant is not expected to disrupt COL3A1 protein function with a negative predictive value of 95%. In summary, the available evidence is currently insufficient to determine the role of this variant in disease. Therefore, it has been classified as a Variant of Uncertain Significance.

NM_000090.4(COL3A1):c.4314A>C (p.Arg1438Ser)

Gene: COL3A1 (collagen type III alpha 1 chain; plus strand). Cytogenetic location: 2q32.2.
Variant type: single nucleotide variant.
Coding change: c.4314A>C on transcript NM_000090.4 (MANE Select); coding-DNA position 4314, A replaced by C.
Protein change: p.Arg1438Ser; replaces arginine 1438 with serine.
Molecular consequence: missense variant.
Genome position (GRCh38, 1-based): chr2:189,011,687, A>C. VCF-style: chr2-189011687-A-C. GRCh37 (hg19) VCF-style: chr2-189876413-A-C.
Other names: short protein forms R1438S.
Identifiers: ClinVar variation 3634113 (VCV003634113.2).